The following is an entry in ClinVar:

ClinVar aggregate classification (germline): Uncertain significance. Review status: criteria provided, multiple submitters, no conflicts (2 of 4 stars). 2 submissions from 2 submitters: Uncertain significance (2). Last evaluated 2025-12-14.

Conditions:
Hereditary cancer-predisposing syndrome. Also called: Tumor predisposition; Neoplastic Syndromes, Hereditary; Hereditary Cancer Syndrome; Hereditary neoplastic syndrome. Identifiers: Orphanet 140162, MedGen C0027672, MeSH D009386, MONDO:0015356.
POLD1-related polyposis and colorectal cancer syndrome (CRCS10). Also called: Colorectal cancer 10; COLORECTAL CANCER, SUSCEPTIBILITY TO, ON CHROMOSOME 19q; Colorectal cancer, susceptibility to, 10. Identifiers: Orphanet 220460, MedGen C2675481, MONDO:0012953, OMIM 612591.

Allele frequency attached by ClinVar (database versions not stated): gnomAD exomes 0.00001 and 0.00002; TOPMed 0.00001.

Submissions (2):

Labcorp Genetics (formerly Invitae), Labcorp
Classification: Uncertain significance for POLD1-related polyposis and colorectal cancer syndrome. Last evaluated: 2025-12-14. Review status: criteria provided, single submitter. Criteria: Invitae Variant Classification Sherloc (09022015). Collection method: clinical testing. Allele origin: germline.
Comment: This sequence change replaces glutamine, which is neutral and polar, with arginine, which is basic and polar, at codon 636 of the POLD1 protein (p.Gln636Arg). This variant is present in population databases (no rsID available, gnomAD 0.01%). This variant has not been reported in the literature in individuals affected with POLD1-related conditions. ClinVar contains an entry for this variant (Variation ID: 569076). Invitae Evidence Modeling of protein sequence and biophysical properties (such as structural, functional, and spatial information, amino acid conservation, physicochemical variation, residue mobility, and thermodynamic stability) indicates that this missense variant is not expected to disrupt POLD1 protein function with a negative predictive value of 80%. Algorithms developed to predict the effect of sequence changes on RNA splicing suggest that this variant may create or strengthen a splice site. In summary, the available evidence is currently insufficient to determine the role of this variant in disease. Therefore, it has been classified as a Variant of Uncertain Significance.

Ambry Genetics
Classification: Uncertain significance for Hereditary cancer-predisposing syndrome. Last evaluated: 2025-02-05. Review status: criteria provided, single submitter. Criteria: Ambry Variant Classification Scheme 2023. Collection method: clinical testing. Allele origin: germline.
Comment: The p.Q636R variant (also known as c.1907A>G), located in coding exon 15 of the POLD1 gene, results from an A to G substitution at nucleotide position 1907. The glutamine at codon 636 is replaced by arginine, an amino acid with highly similar properties. This amino acid position is conserved. In addition, this alteration is predicted to be tolerated by in silico analysis. Based on the available evidence, the clinical significance of this variant remains unclear.

NM_002691.4(POLD1):c.1907A>G (p.Gln636Arg)

Gene: POLD1 (DNA polymerase delta 1, catalytic subunit; plus strand). Cytogenetic location: 19q13.33.
Variant type: single nucleotide variant.
Coding change: c.1907A>G on transcript NM_002691.4 (MANE Select); coding-DNA position 1907, A replaced by G.
Protein change: p.Gln636Arg; replaces glutamine 636 with arginine.
Molecular consequence: missense variant. On other transcripts: non-coding transcript variant (1).
Genome position (GRCh38, 1-based): chr19:50,409,136, A>G. VCF-style: chr19-50409136-A-G. GRCh37 (hg19) VCF-style: chr19-50912393-A-G.
Other names: c.1907A>G, p.Gln636Arg (NM_001256849.1); c.1985A>G, p.Gln662Arg (NM_001308632.1); c.1907A>G (NM_002691.2); short protein forms Q636R, Q662R.
Identifiers: ClinVar variation 569076 (VCV000569076.8), dbSNP rs1347751192, ClinGen allele CA406982215.
Genomic context (GRCh38, chr19:50,409,136, plus strand): 5'-GGAGCAGGAGGGTGGCCGGCAGTCACCCCAACATCTTCCAACCCAGCCTGACTGAGGATC[A>G]GTTCATCAGGACCCCCACCGGGGACGAGTTTGTGAAGACCTCAGTGCGGAAGGGGCTGCT-3'
Protein context (NP_002682.2, residues 626-646): TAQKLGLTED[Gln636Arg]FIRTPTGDEF